The following is an entry in ClinVar:

NM_004656.4(BAP1):c.376-15T>C

Gene: BAP1 (BRCA1 associated deubiquitinase 1; minus strand). Cytogenetic location: 3p21.1.
Variant type: single nucleotide variant.
Coding change: c.376-15T>C on transcript NM_004656.4 (MANE Select); 15 bases into the intron before coding-DNA position 376, T replaced by C.
Molecular consequence: intron variant.
Genome position (GRCh38, 1-based): chr3:52,407,475, A>G on the plus strand (T>C on the coding strand, the complement: BAP1 is on the minus strand). VCF-style: chr3-52407475-A-G. GRCh37 (hg19) VCF-style: chr3-52441491-A-G.
Identifiers: ClinVar variation 920075 (VCV000920075.11), dbSNP rs769767826, ClinGen allele CA2437098.

ClinVar aggregate classification (germline): Likely benign. Review status: criteria provided, multiple submitters, no conflicts (2 of 4 stars). 3 submissions from 3 submitters: Likely benign (3). Last evaluated 2025-03-12.

Conditions:
Hereditary cancer-predisposing syndrome. Also called: Neoplastic Syndromes, Hereditary; Tumor predisposition; Hereditary Cancer Syndrome; Hereditary neoplastic syndrome. Identifiers: Orphanet 140162, MedGen C0027672, MeSH D009386, MONDO:0015356.
BAP1-related tumor predisposition syndrome (TPDS1). Also called: Tumor susceptibility linked to germline BAP1 mutations; COMMON Syndrome; TUMOR PREDISPOSITION SYNDROME 1; BAP1 tumor predisposition syndrome. Identifiers: Orphanet 289539, MedGen C3280492, MONDO:0013692, OMIM 614327.

Allele frequency attached by ClinVar (database versions not stated): ExAC 0.00002; gnomAD exomes 0.00002 and 0.00003.
gnomAD v4.1: 22 of 1,614,168 alleles (0.0014%); highest among the groups gnomAD compares: South Asian, 0.023%; 1 homozygote.

Submissions (3):

Labcorp Genetics (formerly Invitae), Labcorp
Classification: Likely benign for BAP1-related tumor predisposition syndrome. Last evaluated: 2025-03-12. Review status: criteria provided, single submitter. Criteria: Invitae Variant Classification Sherloc (09022015). Collection method: clinical testing. Allele origin: germline.

Myriad Genetics, Inc.
Classification: Likely benign for BAP1-related tumor predisposition syndrome. Last evaluated: 2024-07-12. Review status: criteria provided, single submitter. Criteria: Myriad Autosomal Dominant, Autosomal Recessive and X-Linked Classification Criteria (2023). Collection method: clinical testing. Allele origin: unknown.
Comment: This variant is considered likely benign. This variant is intronic and is not expected to impact mRNA splicing.

Color Diagnostics, LLC DBA Color Health
Classification: Likely benign for Hereditary cancer-predisposing syndrome. Last evaluated: 2019-03-04. Review status: criteria provided, single submitter. Criteria: ACMG Guidelines, 2015. Collection method: clinical testing. Allele origin: germline.